The following is an entry in ClinVar:

NM_005961.3(MUC6):c.6813G>A (p.Ser2271=)

Gene: MUC6 (mucin 6, oligomeric mucus/gel-forming (gene/pseudogene); minus strand). Cytogenetic location: 11p15.5.
Variant type: single nucleotide variant.
Coding change: c.6813G>A on transcript NM_005961.3 (MANE Select); coding-DNA position 6813, G replaced by A.
Protein change: p.Ser2271=; no amino-acid change (serine 2271 retained).
Molecular consequence: synonymous variant.
Genome position (GRCh38, 1-based): chr11:1,015,988, C>T on the plus strand (G>A on the coding strand, the complement: MUC6 is on the minus strand). VCF-style: chr11-1015988-C-T. GRCh37 (hg19) VCF-style: chr11-1015988-C-T.
Identifiers: ClinVar variation 4821490 (VCV004821490.4).

ClinVar aggregate classification (germline): Likely benign (1 of 4 stars; one submission).

gnomAD v4.1: 44 of 1,597,782 alleles (0.0028%); highest among the groups gnomAD compares: Non-Finnish European, 0.0035%; no homozygotes.

Submission:

CeGaT Center for Human Genetics Tuebingen
Classification: Likely benign. Last evaluated: 2026-03-01. Review status: criteria provided, single submitter. Criteria: CeGaT Center For Human Genetics Tuebingen Variant Classification Criteria Version 2. Collection method: clinical testing. Allele origin: germline. Affected: yes. Observed: 1 variant allele.
Comment: MUC6: BP4, BP7